The following is an entry in ClinVar:

ClinVar aggregate classification (germline): Uncertain significance. Review status: criteria provided, multiple submitters, no conflicts (2 of 4 stars). 2 submissions from 2 submitters: Uncertain significance (2). Last evaluated 2024-01-01.

Conditions:
FREM1-related disorder. Also called: FREM1-Related Disorders; FREM1-related condition.
Oculotrichoanal syndrome (MOTA). Also called: MARLES SYNDROME; Manitoba Oculotrichoanal (MOTA) Syndrome. Identifiers: Orphanet 2717, MedGen C1855425, MONDO:0009560, OMIM 248450.

Allele frequency attached by ClinVar (database versions not stated): ExAC 0.00001; TOPMed 0.00001; gnomAD exomes 0.00002 and 0.00005; gnomAD 0.00003.
gnomAD v4.1: 70 of 1,611,552 alleles (0.0043%); highest among the groups gnomAD compares: Non-Finnish European, 0.0058%; no homozygotes.

Submissions (2):

Daryl Scott Lab, Baylor College of Medicine
Classification: Uncertain significance for FREM1-related disorder. Last evaluated: 2024-01-01. Review status: criteria provided, single submitter. Criteria: ACMG Guidelines, 2015. Collection method: clinical testing. Allele origin: paternal. Observed: 1 heterozygote.
Comment: PM2, PP3

Illumina Laboratory Services, Illumina
Classification: Uncertain significance for Oculotrichoanal syndrome. Last evaluated: 2018-01-13. Review status: criteria provided, single submitter. Criteria: ICSL Variant Classification Criteria 13 December 2019. Collection method: clinical testing. Allele origin: germline.

NM_001379081.2(FREM1):c.1397G>A (p.Gly466Glu)

Gene: FREM1 (FRAS1 related extracellular matrix 1; minus strand). Cytogenetic location: 9p22.3.
Variant type: single nucleotide variant.
Coding change: c.1397G>A on transcript NM_001379081.2 (MANE Select); coding-DNA position 1397, G replaced by A.
Protein change: p.Gly466Glu; replaces glycine 466 with glutamic acid.
Molecular consequence: missense variant. On other transcripts: non-coding transcript variant (2).
Genome position (GRCh38, 1-based): chr9:14,842,657, C>T on the plus strand (G>A on the coding strand, the complement: FREM1 is on the minus strand). VCF-style: chr9-14842657-C-T. GRCh37 (hg19) VCF-style: chr9-14842655-C-T.
Other names: c.1397G>A, p.Gly466Glu (NM_144966.7); short protein forms G466E.
Identifiers: ClinVar variation 913186 (VCV000913186.5), dbSNP rs746986331, ClinGen allele CA4991249.
Genomic context (GRCh38, chr9:14,842,657, plus strand): 5'-TCATGATGATAGCGAACAACTCCAGCCTGGAGGTCAGCCACGGTGAAGAGAAACCCTTTC[C>T]CCCCTGAGGGAGAGAGCAGAGATGGAGCAGATTGAGCAAGGGAGTGCAGAAGCAGCAGCT-3'
Protein context (NP_001366010.1, residues 456-476): LQHGWLTLRG[Gly466Glu]KGFLFTVADL